The following is an entry in ClinVar:

ClinVar aggregate classification (germline): Uncertain significance. Review status: criteria provided, multiple submitters, no conflicts (2 of 4 stars). 2 submissions from 2 submitters: Uncertain significance (2). Last evaluated 2026-07-06.

Conditions:
Hereditary cancer-predisposing syndrome. Also called: Hereditary neoplastic syndrome; Neoplastic Syndromes, Hereditary; Tumor predisposition; Hereditary Cancer Syndrome. Identifiers: Orphanet 140162, MedGen C0027672, MeSH D009386, MONDO:0015356.
Hereditary nonpolyposis colorectal neoplasms. Identifiers: MedGen C0009405, MeSH D003123.

Submissions (2):

Ambry Genetics
Classification: Uncertain significance for Hereditary cancer-predisposing syndrome. Last evaluated: 2026-07-06. Review status: criteria provided, single submitter. Criteria: Ambry Variant Classification Scheme 2023. Collection method: clinical testing. Allele origin: germline.
Comment: The p.N827K variant (also known as c.2481T>A), located in coding exon 4 of the MSH6 gene, results from a T to A substitution at nucleotide position 2481. The asparagine at codon 827 is replaced by lysine, an amino acid with similar properties. This amino acid position is conserved. In addition, this alteration is predicted to be tolerated by in silico analysis. Based on the available evidence, the clinical significance of this variant remains unclear.

Labcorp Genetics (formerly Invitae), Labcorp
Classification: Uncertain significance for Hereditary nonpolyposis colorectal neoplasms. Last evaluated: 2025-05-01. Review status: criteria provided, single submitter. Criteria: Invitae Variant Classification Sherloc (09022015). Collection method: clinical testing. Allele origin: germline.
Comment: This sequence change replaces asparagine, which is neutral and polar, with lysine, which is basic and polar, at codon 827 of the MSH6 protein (p.Asn827Lys). This variant is not present in population databases (gnomAD no frequency). This variant has not been reported in the literature in individuals affected with MSH6-related conditions. ClinVar contains an entry for this variant (Variation ID: 3633950). Invitae Evidence Modeling of protein sequence and biophysical properties (such as structural, functional, and spatial information, amino acid conservation, physicochemical variation, residue mobility, and thermodynamic stability) indicates that this missense variant is not expected to disrupt MSH6 protein function with a negative predictive value of 95%. In summary, the available evidence is currently insufficient to determine the role of this variant in disease. Therefore, it has been classified as a Variant of Uncertain Significance.

NM_000179.3(MSH6):c.2481T>A (p.Asn827Lys)

Gene: MSH6 (mutS homolog 6; plus strand). Cytogenetic location: 2p16.3.
Variant type: single nucleotide variant.
Coding change: c.2481T>A on transcript NM_000179.3 (MANE Select); coding-DNA position 2481, T replaced by A.
Protein change: p.Asn827Lys; replaces asparagine 827 with lysine.
Molecular consequence: missense variant. On other transcripts: non-coding transcript variant (5), intron variant (3).
Genome position (GRCh38, 1-based): chr2:47,800,464, T>A. VCF-style: chr2-47800464-T-A. GRCh37 (hg19) VCF-style: chr2-48027603-T-A.
Other names: c.2091T>A, p.Asn697Lys (NM_001281492.2); c.1575T>A, p.Asn525Lys (NM_001281493.2, NM_001281494.2, NM_001406811.1 and 6 more transcripts); c.2577T>A, p.Asn859Lys (NM_001406795.1, NM_001406802.1); c.2481T>A, p.Asn827Lys (NM_001406796.1, NM_001406798.1, NM_001406800.1 and 2 more transcripts); c.2184T>A, p.Asn728Lys (NM_001406797.1, NM_001406801.1, NM_001406805.1 and 10 more transcripts); c.1956T>A, p.Asn652Lys (NM_001406799.1, NM_001406806.1, NM_001406807.1); c.2403T>A, p.Asn801Lys (NM_001406804.1); c.2487T>A, p.Asn829Lys (NM_001406813.1); and 4 more; short protein forms N728K, N771K, N801K, N829K, N859K, N652K, N525K, N697K.
Identifiers: ClinVar variation 3633950 (VCV003633950.3).